The following is an entry in ClinVar:

ClinVar aggregate classification (germline): Uncertain significance (1 of 4 stars; one submission).

Conditions:
Hyperphosphatasia with impaired intellectual development syndrome 2. Also called: Hyperphosphatasia with intellectual disability syndrome 2; GLYCOSYLPHOSPHATIDYLINOSITOL BIOSYNTHESIS DEFECT 6. Identifiers: Orphanet 247262, MedGen C3553637, MONDO:0013882, OMIM 614749.

Allele frequency attached by ClinVar (database versions not stated): gnomAD exomes 0.00001.
gnomAD v4.1: 3 of 1,602,696 alleles (0.00019%); highest among the groups gnomAD compares: Non-Finnish European, 0.00025%; no homozygotes.

Submission:

Labcorp Genetics (formerly Invitae), Labcorp
Classification: Uncertain significance for Hyperphosphatasia with impaired intellectual development syndrome 2. Last evaluated: 2020-04-14. Review status: criteria provided, single submitter. Criteria: Invitae Variant Classification Sherloc (09022015). Collection method: clinical testing. Allele origin: germline.
Comment: Algorithms developed to predict the effect of missense changes on protein structure and function are either unavailable or do not agree on the potential impact of this missense change (SIFT: "Deleterious"; PolyPhen-2: "Probably Damaging"; Align-GVGD: "Class C0"). This variant has not been reported in the literature in individuals with PIGO-related conditions. This variant is not present in population databases (ExAC no frequency). This sequence change replaces valine with phenylalanine at codon 175 of the PIGO protein (p.Val175Phe). The valine residue is highly conserved and there is a small physicochemical difference between valine and phenylalanine. In summary, the available evidence is currently insufficient to determine the role of this variant in disease. Therefore, it has been classified as a Variant of Uncertain Significance.

NM_032634.4(PIGO):c.523G>T (p.Val175Phe)

Gene: PIGO (phosphatidylinositol glycan anchor biosynthesis class O; minus strand). Cytogenetic location: 9p13.3.
Variant type: single nucleotide variant.
Coding change: c.523G>T on transcript NM_032634.4 (MANE Select); coding-DNA position 523, G replaced by T.
Protein change: p.Val175Phe; replaces valine 175 with phenylalanine.
Molecular consequence: missense variant.
Genome position (GRCh38, 1-based): chr9:35,094,348, C>A on the plus strand (G>T on the coding strand, the complement: PIGO is on the minus strand). VCF-style: chr9-35094348-C-A. GRCh37 (hg19) VCF-style: chr9-35094345-C-A.
Other names: c.523G>T, p.Val175Phe (NM_001201484.2, NM_152850.4); short protein forms V175F.
Identifiers: ClinVar variation 1015465 (VCV001015465.8), dbSNP rs1829572491, ClinGen allele CA373324103.